The following is an entry in ClinVar:

ClinVar aggregate classification (germline): Uncertain significance (1 of 4 stars; one submission).

gnomAD v4.1: 2 of 1,613,980 alleles (0.00012%); highest among the groups gnomAD compares: Non-Finnish European, 0.00017%; no homozygotes.

Submission:

Ambry Genetics
Classification: Uncertain significance. Last evaluated: 2026-05-27. Review status: criteria provided, single submitter. Criteria: Ambry Variant Classification Scheme 2023. Collection method: clinical testing. Allele origin: germline.
Comment: The p.S148P variant (also known as c.442T>C), located in coding exon 1 of the CDK12 gene, results from a T to C substitution at nucleotide position 442. The serine at codon 148 is replaced by proline, an amino acid with similar properties. This amino acid position is conserved. In addition, this alteration is predicted to be tolerated by in silico analysis. Based on the available evidence, the clinical significance of this variant remains unclear.

NM_016507.4(CDK12):c.442T>C (p.Ser148Pro)

Genes: CDK12 (cyclin dependent kinase 12; plus strand), LOC126862553 (CDK7 strongly-dependent group 2 enhancer GRCh37_chr17:37618166-37619365; plus strand). Cytogenetic location: 17q12.
Variant type: single nucleotide variant.
Coding change: c.442T>C on transcript NM_016507.4 (MANE Select); coding-DNA position 442, T replaced by C.
Protein change: p.Ser148Pro; replaces serine 148 with proline.
Molecular consequence: missense variant.
Genome position (GRCh38, 1-based): chr17:39,462,513, T>C. VCF-style: chr17-39462513-T-C. GRCh37 (hg19) VCF-style: chr17-37618766-T-C.
Other names: c.442T>C, p.Ser148Pro (NM_015083.4); short protein forms S148P.
Identifiers: ClinVar variation 4868562 (VCV004868562.1).
Genomic context (GRCh38, chr17:39,462,513, plus strand): 5'-ACCGAAAAAGAAAAAAGCCAAGAAGTCTCCAGCAAGTCGGGATCGATGAAGGACCGGATA[T>C]CGGGAAGTTCAAAGCGTTCGAATGAGGAGACTGATGACTATGGGAAGGCGCAGGTAGCCA-3'
Protein context (NP_057591.2, residues 138-158): SKSGSMKDRI[Ser148Pro]GSSKRSNEET